The following is an entry in ClinVar:

ClinVar aggregate classification (germline): Likely benign (0 of 4 stars; one submission).

Conditions:
TNNT3-related disorder. Also called: TNNT3-related condition.

Allele frequency attached by ClinVar (database versions not stated): gnomAD 0.00001; gnomAD exomes 0.00001; ExAC 0.00004.

Submission:

PreventionGenetics, part of Exact Sciences
Classification: Likely benign for TNNT3-related condition. Last evaluated: 2019-11-26. Review status: no assertion criteria provided. Collection method: clinical testing. Allele origin: germline.
Comment: This variant is classified as likely benign based on ACMG/AMP sequence variant interpretation guidelines (Richards et al. 2015 PMID: 25741868, with internal and published modifications).

NM_006757.4(TNNT3):c.67+130C>T

Gene: TNNT3 (troponin T3, fast skeletal type; plus strand). Cytogenetic location: 11p15.5.
Variant type: single nucleotide variant.
Coding change: c.67+130C>T on transcript NM_006757.4 (MANE Select); 130 bases into the intron after coding-DNA position 67, C replaced by T.
Molecular consequence: intron variant.
Genome position (GRCh38, 1-based): chr11:1,925,246, C>T. VCF-style: chr11-1925246-C-T. GRCh37 (hg19) VCF-style: chr11-1946476-C-T.
Other names: c.67+130C>T (NM_001297646.2, NM_001042780.3, NM_001042782.3 and 1 more transcripts); c.68-10C>T (NM_001367846.1, NM_001363561.2, NM_001042781.3 and 4 more transcripts); c.50-10C>T (NM_001367845.1, NM_001367849.1); c.49+1674C>T (NM_001367850.1); c.-99+2355C>T (NM_001367851.1); c.-99+130C>T (NM_001367852.1).
Identifiers: ClinVar variation 3048340 (VCV003048340.2), dbSNP rs753515620, ClinGen allele CA5816147.